The following is an entry in ClinVar:

NM_007294.4(BRCA1):c.382A>G (p.Met128Val)

Gene: BRCA1 (BRCA1 DNA repair associated; minus strand). Cytogenetic location: 17q21.31.
Variant type: single nucleotide variant.
Coding change: c.382A>G on transcript NM_007294.4 (MANE Select); coding-DNA position 382, A replaced by G.
Protein change: p.Met128Val; replaces methionine 128 with valine.
Molecular consequence: missense variant. On other transcripts: non-coding transcript variant (1).
Genome position (GRCh38, 1-based): chr17:43,104,181, T>C on the plus strand (A>G on the coding strand, the complement: BRCA1 is on the minus strand). VCF-style: chr17-43104181-T-C. GRCh37 (hg19) VCF-style: chr17-41256198-T-C.
Other names: c.172A>G, p.Met58Val (NM_001407571.1, NM_001407853.1, NM_001407879.1 and 58 more transcripts); c.382A>G, p.Met128Val (NM_001407581.1, NM_001407582.1, NM_001407583.1 and 165 more transcripts); c.373A>G, p.Met125Val (NM_001407646.1, NM_001407647.1, NM_001408408.1); c.304A>G, p.Met102Val (NM_001407653.1, NM_001407654.1, NM_001407655.1 and 21 more transcripts); c.241A>G, p.Met81Val (NM_001407692.1, NM_001407694.1, NM_001407695.1 and 99 more transcripts); c.1A>G, p.Met1Val (NM_001407959.1, NM_001407960.1, NM_001407962.1 and 4 more transcripts); c.250A>G, p.Met84Val (NM_001408451.1); short protein forms M128V, M81V, M125V, M102V, M1V, M84V, M58V.
Identifiers: ClinVar variation 219502 (VCV000219502.20), dbSNP rs864622124, ClinGen allele CA349192.

ClinVar aggregate classification (germline): Conflicting classifications of pathogenicity. Review status: criteria provided, conflicting classifications (1 of 4 stars). 5 submissions from 5 submitters: Uncertain significance (4); Likely benign (1). Last evaluated 2025-02-11.

Conditions:
Hereditary cancer-predisposing syndrome. Also called: Tumor predisposition; Hereditary Cancer Syndrome; Neoplastic Syndromes, Hereditary; Hereditary neoplastic syndrome. Identifiers: Orphanet 140162, MedGen C0027672, MeSH D009386, MONDO:0015356.
Hereditary breast ovarian cancer syndrome. Also called: Breast and ovarian cancer; Hereditary breast and ovarian cancer; Hereditary breast and ovarian cancer syndrome; Hereditary breast and/or ovarian cancer syndrome; BRCA1- and BRCA2-Associated Hereditary Breast and Ovarian Cancer; Hereditary breast and ovarian cancer syndrome (HBOC). Identifiers: Orphanet 145, MedGen C0677776, MeSH D061325, MONDO:0003582. Disease mechanism: loss of function.
Breast-ovarian cancer, familial, susceptibility to, 1 (BROVCA1). Also called: BRCA1 Hereditary Breast and Ovarian Cancer; OVARIAN CANCER, SUSCEPTIBILITY TO. Identifiers: Orphanet 145, MedGen C2676676, MONDO:0011450, OMIM 604370. Disease mechanism: loss of function.
BRCA1-related cancer predisposition. Identifiers: MedGen CN377757, MONDO:0700268.

Allele frequency attached by ClinVar (database versions not stated): gnomAD exomes below 0.00001.

Submissions (5):

Myriad Genetics, Inc.
Classification: Likely benign for Breast-ovarian cancer, familial, susceptibility to, 1. Last evaluated: 2025-02-11. Review status: criteria provided, single submitter. Criteria: Myriad Autosomal Dominant, Autosomal Recessive and X-Linked Classification Criteria (2023). Collection method: clinical testing. Allele origin: unknown.
Comment: This variant is considered likely benign. This variant is strongly associated with less severe personal and family histories of cancer, typical for individuals without pathogenic variants in this gene [PMID: 25085752].

All of Us Research Program, National Institutes of Health
Classification: Uncertain significance for BRCA1-related cancer predisposition. Last evaluated: 2024-04-25. Review status: criteria provided, single submitter. Criteria: ACMG Guidelines, 2015. Collection method: clinical testing. Allele origin: germline. Inheritance: Autosomal dominant inheritance. Observed: 1 variant allele, 1 heterozygote.
Comment: This missense variant replaces methionine with valine at codon 128 of the BRCA1 protein. Computational prediction is inconclusive regarding the impact of this variant on protein structure and function (internally defined REVEL score threshold 0.5 < inconclusive < 0.7, PMID: 27666373). To our knowledge, functional studies have not been reported for this variant. This variant has not been reported in individuals affected with hereditary cancer in the literature. This variant has not been identified in the general population by the Genome Aggregation Database (gnomAD). The available evidence is insufficient to determine the role of this variant in disease conclusively. Therefore, this variant is classified as a Variant of Uncertain Significance.

This study involves interpretation of variants in research participants for the purpose of population health screening. Participant phenotype was not available at the time of variant classification. Additional details can be found in publication PMID: 35346344, PMCID: PMC8962531

Color Diagnostics, LLC DBA Color Health
Classification: Uncertain significance for Hereditary cancer-predisposing syndrome. Last evaluated: 2024-04-03. Review status: criteria provided, single submitter. Criteria: ACMG Guidelines, 2015. Collection method: clinical testing. Allele origin: germline.
Comment: This missense variant replaces methionine with valine at codon 128 of the BRCA1 protein. Computational prediction is inconclusive regarding the impact of this variant on protein structure and functio. To our knowledge, functional studies have not been reported for this variant. This variant has been reported in an individual affected with breast or ovarian cancer (PMID: 31907386). This variant has not been identified in the general population by the Genome Aggregation Database (gnomAD). The available evidence is insufficient to determine the role of this variant in disease conclusively. Therefore, this variant is classified as a Variant of Uncertain Significance.

Ambry Genetics
Classification: Uncertain significance for Hereditary cancer-predisposing syndrome. Last evaluated: 2024-03-27. Review status: criteria provided, single submitter. Criteria: Ambry Variant Classification Scheme 2023. Collection method: clinical testing. Allele origin: germline.
Comment: The p.M128V variant (also known as c.382A>G), located in coding exon 5 of the BRCA1 gene, results from an A to G substitution at nucleotide position 382. The methionine at codon 128 is replaced by valine, an amino acid with highly similar properties. This amino acid position is not well conserved in available vertebrate species. In addition, this alteration is predicted to be deleterious by in silico analysis. Since supporting evidence is limited at this time, the clinical significance of this alteration remains unclear.

Labcorp Genetics (formerly Invitae), Labcorp
Classification: Uncertain significance for Hereditary breast ovarian cancer syndrome. Last evaluated: 2024-02-05. Review status: criteria provided, single submitter. Criteria: Invitae Variant Classification Sherloc (09022015). Collection method: clinical testing. Allele origin: germline.
Comment: This sequence change replaces methionine, which is neutral and non-polar, with valine, which is neutral and non-polar, at codon 128 of the BRCA1 protein (p.Met128Val). This variant is not present in population databases (gnomAD no frequency). This missense change has been observed in individual(s) with breast and/or ovarian cancer (PMID: 31907386). ClinVar contains an entry for this variant (Variation ID: 219502). Advanced modeling of protein sequence and biophysical properties (such as structural, functional, and spatial information, amino acid conservation, physicochemical variation, residue mobility, and thermodynamic stability) performed at Invitae indicates that this missense variant is not expected to disrupt BRCA1 protein function with a negative predictive value of 95%. In summary, the available evidence is currently insufficient to determine the role of this variant in disease. Therefore, it has been classified as a Variant of Uncertain Significance.

Literature cited by the submitters: PubMed 25085752 (cited by Myriad Genetics, Inc.); PubMed 31907386 (cited by Color Diagnostics, LLC DBA Color Health and Labcorp Genetics (formerly Invitae), Labcorp).